The following is an entry in ClinVar:

ClinVar aggregate classification (germline): Conflicting classifications of pathogenicity. Review status: criteria provided, conflicting classifications (1 of 4 stars). 7 submissions from 7 submitters: Uncertain significance (1); Benign (1); Likely benign (4). 1 of the submissions does not count toward it. Last evaluated 2026-01-14.

Conditions:
Sialuria. Also called: SIALURIA, FRENCH TYPE; Sialic Acid Storage Disease. Identifiers: Orphanet 3166, MedGen C0342853, MONDO:0010028, OMIM 269921.
GNE myopathy (NM). Also called: IBM 2; Inclusion body myopathy autosomal recessive; Inclusion body myopathy quadriceps sparing; INCLUSION BODY MYOPATHY, HEREDITARY, AUTOSOMAL RECESSIVE; INCLUSION BODY MYOPATHY 2, AUTOSOMAL RECESSIVE; MYOPATHY, DISTAL, WITH OR WITHOUT RIMMED VACUOLES. Identifiers: Orphanet 602, MedGen C1853926, MONDO:0011603, OMIM 605820.

Allele frequency attached by ClinVar (database versions not stated): gnomAD exomes 0.00012 and 0.00016; ExAC 0.00019; gnomAD 0.00038; TOPMed 0.00040; 1000 Genomes Project 30x 0.00047; 1000 Genomes Project 0.00060; ESP Exome Variant Server 0.00069.
gnomAD v4.1: 239 of 1,614,086 alleles (0.015%); highest among the groups gnomAD compares: African/African-American, 0.11%; no homozygotes.

Submissions (7):

Labcorp Genetics (formerly Invitae), Labcorp
Classification: Likely benign for Sialuria; GNE myopathy. Last evaluated: 2026-01-14. Review status: criteria provided, single submitter. Criteria: Invitae Variant Classification Sherloc (09022015). Collection method: clinical testing. Allele origin: germline.

Mayo Clinic Laboratories, Mayo Clinic
Classification: Likely benign. Last evaluated: 2025-10-08. Review status: criteria provided, single submitter. Criteria: ACMG Guidelines, 2015. Collection method: clinical testing. Allele origin: germline. Observed: 1 variant allele.
Comment: BP4, BP7

CeGaT Center for Human Genetics Tuebingen
Classification: Likely benign. Last evaluated: 2025-01-01. Review status: criteria provided, single submitter. Criteria: CeGaT Center For Human Genetics Tuebingen Variant Classification Criteria Version 2. Collection method: clinical testing. Allele origin: germline. Affected: yes. Observed: 1 variant allele.
Comment: GNE: BP4, BP7

Blueprint Genetics
Classification: Likely benign. Last evaluated: 2024-05-22. Review status: criteria provided, single submitter. Criteria: ACMG Guidelines, 2015. Collection method: clinical testing. Allele origin: germline.

Women's Health and Genetics/Laboratory Corporation of America, LabCorp
Classification: Benign. Last evaluated: 2024-03-19. Review status: criteria provided, single submitter. Criteria: LabCorp Variant Classification Summary - May 2015. Collection method: clinical testing. Allele origin: germline.
Comment: Variant summary: GNE c.2097C>T alters a conserved nucleotide resulting in a synonymous change. Consensus agreement among computation tools predict no significant impact on normal splicing. However, these predictions have yet to be confirmed by functional studies. The variant allele was found at a frequency of 0.00016 in 251468 control chromosomes, predominantly at a frequency of 0.0014 within the African or African-American subpopulation in the gnomAD database. The observed variant frequency within African or African-American control individuals in the gnomAD database is approximately 1.25 fold of the estimated maximal expected allele frequency for a pathogenic variant in GNE causing Inclusion Body Myopathy 2 phenotype (0.0011), strongly suggesting that the variant is a benign polymorphism found primarily in populations of African or African-American origin. To our knowledge, no occurrence of c.2097C>T in individuals affected with Inclusion Body Myopathy 2 and no experimental evidence demonstrating its impact on protein function have been reported. ClinVar contains an entry for this variant (Variation ID: 284820). Based on the evidence outlined above, the variant was classified as benign.

Eurofins Ntd Llc (ga)
Classification: Uncertain significance. Last evaluated: 2017-12-27. Review status: criteria provided, single submitter. Criteria: EGL Classification Definitions 2015. Collection method: clinical testing. Allele origin: germline. Observed: 3 variant alleles, 3 heterozygotes.

Natera, Inc.
Classification: Uncertain significance for Nonaka myopathy. Last evaluated: 2020-01-24. Review status: no assertion criteria provided. Collection method: clinical testing. Allele origin: germline. Not counted in ClinVar's aggregate classification.

NM_005476.7(GNE):c.2004C>T (p.Ser668=)

Gene: GNE (glucosamine (UDP-N-acetyl)-2-epimerase/N-acetylmannosamine kinase; minus strand). Cytogenetic location: 9p13.3.
Variant type: single nucleotide variant.
Coding change: c.2004C>T on transcript NM_005476.7 (MANE Select); coding-DNA position 2004, C replaced by T.
Protein change: p.Ser668=; no amino-acid change (serine 668 retained).
Molecular consequence: synonymous variant.
Genome position (GRCh38, 1-based): chr9:36,217,530, G>A on the plus strand (C>T on the coding strand, the complement: GNE is on the minus strand). VCF-style: chr9-36217530-G-A. GRCh37 (hg19) VCF-style: chr9-36217527-G-A.
Other names: p.Ser699=; c.2097C>T, p.Ser699= (NM_001128227.3); c.1782C>T, p.Ser594= (NM_001190383.3); c.1674C>T, p.Ser558= (NM_001190384.3); c.1827C>T, p.Ser609= (NM_001190388.2, NM_001374798.1); c.1851C>T, p.Ser617= (NM_001374797.1).
Identifiers: ClinVar variation 284820 (VCV000284820.33), dbSNP rs150045137, ClinGen allele CA5056374.
Genomic context (GRCh38, chr9:36,217,530, plus strand): 5'-CAAGGCCTGCTGGCGAATGACGTCTTTGACAATGTGGATATAGTGACTGGCCAGGACTCC[G>A]GAGAGGATCACAAGGGAGGGATTCATGGTATGGAGGATGTTCACAACCCCAAGACCCAAA-3'
Protein context (NP_005467.1, residues 658-678): HTMNPSLVIL[Ser668=]GVLASHYIHI